The following is an entry in ClinVar:

NM_021942.6(TRAPPC11):c.3189+1G>A

Gene: TRAPPC11 (trafficking protein particle complex subunit 11; plus strand). Cytogenetic location: 4q35.1.
Variant type: single nucleotide variant.
Coding change: c.3189+1G>A on transcript NM_021942.6 (MANE Select); the canonical splice donor site of the intron after coding-DNA position 3189, G replaced by A.
Molecular consequence: splice donor variant.
Genome position (GRCh38, 1-based): chr4:183,706,941, G>A. VCF-style: chr4-183706941-G-A. GRCh37 (hg19) VCF-style: chr4-184628094-G-A.
Other names: c.3189+1G>A (NM_199053.3).
Identifiers: ClinVar variation 1522080 (VCV001522080.9), dbSNP rs1170374164, ClinGen allele CA358874871.

ClinVar aggregate classification (germline): Conflicting classifications of pathogenicity. Review status: criteria provided, conflicting classifications (1 of 4 stars). 2 submissions from 2 submitters: Likely pathogenic (1); Uncertain significance (1). Last evaluated 2024-06-19.

Conditions:
Autosomal recessive limb-girdle muscular dystrophy type R18 (LGMDR18). Also called: Limb-girdle muscular dystrophy, type 2S; MUSCULAR DYSTROPHY, LIMB-GIRDLE, AUTOSOMAL RECESSIVE 18; Autosomal recessive limb-girdle muscular dystrophy type 2S. Identifiers: Orphanet 369840, MedGen C4517996, MONDO:0014144, OMIM 615356.

Allele frequency attached by ClinVar (database versions not stated): gnomAD exomes 0.00001.
gnomAD v4.1: 3 of 1,613,788 alleles (0.00019%); highest among the groups gnomAD compares: Non-Finnish European, 0.00017%; no homozygotes.

Submissions (2):

Labcorp Genetics (formerly Invitae), Labcorp
Classification: Likely pathogenic for Autosomal recessive limb-girdle muscular dystrophy type R18. Last evaluated: 2024-06-19. Review status: criteria provided, single submitter. Criteria: Invitae Variant Classification Sherloc (09022015). Collection method: clinical testing. Allele origin: germline.
Comment: This sequence change affects a donor splice site in intron 28 of the TRAPPC11 gene. It is expected to disrupt RNA splicing. Variants that disrupt the donor or acceptor splice site typically lead to a loss of protein function (PMID: 16199547), and loss-of-function variants in TRAPPC11 are known to be pathogenic (PMID: 23830518, 26322222). This variant is present in population databases (no rsID available, gnomAD 0.002%). This variant has not been reported in the literature in individuals affected with TRAPPC11-related conditions. ClinVar contains an entry for this variant (Variation ID: 1522080). Algorithms developed to predict the effect of sequence changes on RNA splicing suggest that this variant may disrupt the consensus splice site. In summary, the currently available evidence indicates that the variant is pathogenic, but additional data are needed to prove that conclusively. Therefore, this variant has been classified as Likely Pathogenic.

Revvity Omics, Revvity
Classification: Uncertain significance for Autosomal recessive limb-girdle muscular dystrophy type R18. Last evaluated: 2022-07-25. Review status: criteria provided, single submitter. Criteria: ACMG Guidelines, 2015. Collection method: clinical testing. Allele origin: germline.

Literature cited by the submitters: PubMed 16199547 (cited by Labcorp Genetics (formerly Invitae), Labcorp); PubMed 23830518 (cited by Labcorp Genetics (formerly Invitae), Labcorp); PubMed 26322222 (cited by Labcorp Genetics (formerly Invitae), Labcorp).